The following is an entry in ClinVar:

ClinVar aggregate classification (germline): Uncertain significance. Review status: criteria provided, multiple submitters, no conflicts (2 of 4 stars). 2 submissions from 2 submitters: Uncertain significance (2). Last evaluated 2023-04-14.

Allele frequency attached by ClinVar (database versions not stated): gnomAD exomes below 0.00001; ExAC 0.00001; TOPMed 0.00001.
gnomAD v4.1: 6 of 1,614,074 alleles (0.00037%); highest among the groups gnomAD compares: Admixed American, 0.0033%; no homozygotes.

Submissions (2):

GeneDx
Classification: Uncertain significance. Last evaluated: 2023-04-14. Review status: criteria provided, single submitter. Criteria: GeneDx Variant Classification Process June 2021. Collection method: clinical testing. Allele origin: germline. Affected: yes.
Comment: Reported in one patient with young-onset diabetes in published literature (Chapla et al., 2015); In silico analysis supports that this missense variant has a deleterious effect on protein structure/function; This variant is associated with the following publications: (PMID: 25041077)

Blueprint Genetics
Classification: Uncertain significance. Last evaluated: 2022-06-22. Review status: criteria provided, single submitter. Criteria: ACMG Guidelines, 2015. Collection method: clinical testing. Allele origin: germline.

NM_175914.5(HNF4A):c.745G>A (p.Glu249Lys)

Gene: HNF4A (hepatocyte nuclear factor 4 alpha; plus strand). Cytogenetic location: 20q13.12.
Variant type: single nucleotide variant.
Coding change: c.745G>A on transcript NM_175914.5 (MANE Select); coding-DNA position 745, G replaced by A.
Protein change: p.Glu249Lys; replaces glutamic acid 249 with lysine.
Molecular consequence: missense variant.
Genome position (GRCh38, 1-based): chr20:44,419,795, G>A. VCF-style: chr20-44419795-G-A. GRCh37 (hg19) VCF-style: chr20-43048435-G-A.
Other names: c.811G>A, p.Glu271Lys (NM_000457.6, NM_178849.3, NM_178850.3); c.745G>A, p.Glu249Lys (NM_001030003.3, NM_001030004.3); c.790G>A, p.Glu264Lys (NM_001258355.2); c.736G>A, p.Glu246Lys (NM_001287182.2, NM_001287183.2, NM_001287184.2); short protein forms E246K, E249K, E264K, E271K.
Identifiers: ClinVar variation 2662169 (VCV002662169.2), dbSNP rs781364316, ClinGen allele CA9870372.